The following is an entry in ClinVar:

ClinVar aggregate classification (germline): Uncertain significance (1 of 4 stars; one submission).

Conditions:
Thrombomodulin-related bleeding disorder (THPH12). Also called: Thrombophilia due to thrombomodulin defect. Identifiers: Orphanet 436169, MedGen C3280976, MONDO:0013775, OMIM 614486.

gnomAD v4.1: 1 of 1,572,710 alleles (0.000064%); highest among the groups gnomAD compares: Non-Finnish European, 0.000086%; no homozygotes.

Submission:

Genomenon, Inc
Classification: Uncertain significance for Thrombomodulin-related bleeding disorder. Last evaluated: 2025-09-22. Review status: criteria provided, single submitter. Criteria: Genomenon Sequence Variant Interpretation Standards - Updated. Collection method: curation. Allele origin: germline. Affected: no.
Comment: THBD p.Phe108Ile (c.322T>A) is a missense variant that changes the amino acid at residue 108 from Phenylalanine to Isoleucine. This variant has been reported in the published literature (PMID:34970867). It is absent or not present at a significant frequency in gnomAD. In conclusion, we classify THBD p.Phe108Ile (c.322T>A) as a variant of unknown significance.

Literature cited by the submitters: PubMed 34970867.

NM_000361.3(THBD):c.322T>A (p.Phe108Ile)

Gene: THBD (thrombomodulin; minus strand). Cytogenetic location: 20p11.21.
Variant type: single nucleotide variant.
Coding change: c.322T>A on transcript NM_000361.3 (MANE Select); coding-DNA position 322, T replaced by A.
Protein change: p.Phe108Ile; replaces phenylalanine 108 with isoleucine.
Molecular consequence: missense variant.
Genome position (GRCh38, 1-based): chr20:23,049,183, A>T on the plus strand (T>A on the coding strand, the complement: THBD is on the minus strand). VCF-style: chr20-23049183-A-T. GRCh37 (hg19) VCF-style: chr20-23029820-A-T.
Other names: short protein forms F108I.
Identifiers: ClinVar variation 4280573 (VCV004280573.1).
Genomic context (GRCh38, chr20:23,049,183, plus strand): 5'-TGAGGTCGAGCCGTGCCCACCTGCTATAGCTGGTGTTGTTGTCTCCCGTAACCCACTGGA[A>T]GCCGCGCAGGGGCCCGAGGCGCTTGGGGTCGCCGCAGCCGGGTGGCAGCTGCAGGCCGAT-3'
Protein context (NP_000352.1, residues 98-118): DPKRLGPLRG[Phe108Ile]QWVTGDNNTS